The following is an entry in ClinVar:

NM_014630.3(ZNF592):c.2810G>T (p.Arg937Leu)

Gene: ZNF592 (zinc finger protein 592; plus strand). Cytogenetic location: 15q25.3.
Variant type: single nucleotide variant.
Coding change: c.2810G>T on transcript NM_014630.3 (MANE Select); coding-DNA position 2810, G replaced by T.
Protein change: p.Arg937Leu; replaces arginine 937 with leucine.
Molecular consequence: missense variant.
Genome position (GRCh38, 1-based): chr15:84,798,661, G>T. VCF-style: chr15-84798661-G-T. GRCh37 (hg19) VCF-style: chr15-85341892-G-T.
Other names: short protein forms R937L.
Identifiers: ClinVar variation 3347098 (VCV003347098.1).

ClinVar aggregate classification (germline): Uncertain significance (0 of 4 stars; one submission).

Conditions:
ZNF592-related disorder. Also called: ZNF592-related condition.

Submission:

PreventionGenetics, part of Exact Sciences
Classification: Uncertain significance for ZNF592-related condition. Last evaluated: 2024-06-25. Review status: no assertion criteria provided. Collection method: clinical testing. Allele origin: germline.
Comment: The ZNF592 c.2810G>T variant is predicted to result in the amino acid substitution p.Arg937Leu. To our knowledge, this variant has not been reported in the literature or in a large population database, indicating this variant is rare. At this time, the clinical significance of this variant is uncertain due to the absence of conclusive functional and genetic evidence.